The following is an entry in ClinVar:

ClinVar aggregate classification (germline): Uncertain significance (1 of 4 stars; one submission).

Conditions:
Familial sleep-related hypermotor epilepsy. Also called: Autosomal Dominant Sleep-Related Hypermotor (Hyperkinetic) Epilepsy. Identifiers: Orphanet 98784, MedGen C3696898, MONDO:0000030.

Submission:

Labcorp Genetics (formerly Invitae), Labcorp
Classification: Uncertain significance. Last evaluated: 2024-09-26. Review status: criteria provided, single submitter. Criteria: Invitae Variant Classification Sherloc (09022015). Collection method: clinical testing. Allele origin: germline.
Comment: This sequence change replaces aspartic acid, which is acidic and polar, with glutamic acid, which is acidic and polar, at codon 459 of the CHRNB2 protein (p.Asp459Glu). This variant is not present in population databases (gnomAD no frequency). This variant has not been reported in the literature in individuals affected with CHRNB2-related conditions. Invitae Evidence Modeling of protein sequence and biophysical properties (such as structural, functional, and spatial information, amino acid conservation, physicochemical variation, residue mobility, and thermodynamic stability) has been performed for this missense variant. However, the output from this modeling did not meet the statistical confidence thresholds required to predict the impact of this variant on CHRNB2 protein function. In summary, the available evidence is currently insufficient to determine the role of this variant in disease. Therefore, it has been classified as a Variant of Uncertain Significance.

NM_000748.3(CHRNB2):c.1377C>A (p.Asp459Glu)

Gene: CHRNB2 (cholinergic receptor nicotinic beta 2 subunit; plus strand). Cytogenetic location: 1q21.3.
Variant type: single nucleotide variant.
Coding change: c.1377C>A on transcript NM_000748.3 (MANE Select); coding-DNA position 1377, C replaced by A.
Protein change: p.Asp459Glu; replaces aspartic acid 459 with glutamic acid.
Molecular consequence: missense variant.
Genome position (GRCh38, 1-based): chr1:154,575,800, C>A. VCF-style: chr1-154575800-C-A. GRCh37 (hg19) VCF-style: chr1-154548276-C-A.
Other names: short protein forms D459E.
Identifiers: ClinVar variation 3678576 (VCV003678576.2).